The following is an entry in ClinVar:

NM_022725.4(FANCF):c.787G>C (p.Val263Leu)

Gene: FANCF (FA complementation group F; minus strand). Cytogenetic location: 11p14.3.
Variant type: single nucleotide variant.
Coding change: c.787G>C on transcript NM_022725.4 (MANE Select); coding-DNA position 787, G replaced by C.
Protein change: p.Val263Leu; replaces valine 263 with leucine.
Molecular consequence: missense variant.
Genome position (GRCh38, 1-based): chr11:22,625,024, C>G on the plus strand (G>C on the coding strand, the complement: FANCF is on the minus strand). VCF-style: chr11-22625024-C-G. GRCh37 (hg19) VCF-style: chr11-22646570-C-G.
Other names: short protein forms V263L.
Identifiers: ClinVar variation 4738564 (VCV004738564.1).

ClinVar aggregate classification (germline): Uncertain significance (1 of 4 stars; one submission).

Conditions:
Fanconi anemia (FA). Also called: Fanconi's anemia. Identifiers: Orphanet 84, MedGen C0015625, MeSH D005199, MONDO:0019391.

gnomAD v4.1: 1 of 1,614,188 alleles (0.000062%); highest among the groups gnomAD compares: African/African-American, 0.0013%; no homozygotes.

Submission:

Labcorp Genetics (formerly Invitae), Labcorp
Classification: Uncertain significance for Fanconi anemia. Last evaluated: 2025-11-05. Review status: criteria provided, single submitter. Criteria: Invitae Variant Classification Sherloc (09022015). Collection method: clinical testing. Allele origin: germline.
Comment: This sequence change replaces valine, which is neutral and non-polar, with leucine, which is neutral and non-polar, at codon 263 of the FANCF protein (p.Val263Leu). This variant is present in population databases (no rsID available, gnomAD 0.007%). This variant has not been reported in the literature in individuals affected with FANCF-related conditions. Invitae Evidence Modeling of protein sequence and biophysical properties (such as structural, functional, and spatial information, amino acid conservation, physicochemical variation, residue mobility, and thermodynamic stability) indicates that this missense variant is not expected to disrupt FANCF protein function with a negative predictive value of 80%. In summary, the available evidence is currently insufficient to determine the role of this variant in disease. Therefore, it has been classified as a Variant of Uncertain Significance.